The following is an entry in ClinVar:

NM_000026.4(ADSL):c.-51G>A

Gene: ADSL (adenylosuccinate lyase; plus strand). Cytogenetic location: 22q13.1.
Variant type: single nucleotide variant.
Coding change: c.-51G>A on transcript NM_000026.4 (MANE Select); 51 bases upstream of the start codon, G replaced by A.
Molecular consequence: 5 prime UTR variant. On other transcripts: non-coding transcript variant (1).
Genome position (GRCh38, 1-based): chr22:40,346,508, G>A. VCF-style: chr22-40346508-G-A. GRCh37 (hg19) VCF-style: chr22-40742512-G-A.
Other names: c.-51G>A (NM_001123378.3, NM_001363840.3, NM_001410812.1 and 2 more transcripts); c.-188G>A (NM_001317923.2).
Identifiers: ClinVar variation 2095047 (VCV002095047.4), dbSNP rs2044142037, ClinGen allele CA1025767633.

ClinVar aggregate classification (germline): Uncertain significance (1 of 4 stars; one submission).

Conditions:
Adenylosuccinate lyase deficiency (ADSLD). Also called: ADSL DEFICIENCY. Identifiers: Orphanet 46, MedGen C0268126, MONDO:0007068, OMIM 103050.

Allele frequency attached by ClinVar (database versions not stated): gnomAD exomes below 0.00001; gnomAD 0.00001.
gnomAD v4.1: 3 of 1,560,902 alleles (0.00019%); highest among the groups gnomAD compares: Non-Finnish European, 0.000086%; no homozygotes.

Submission:

Labcorp Genetics (formerly Invitae), Labcorp
Classification: Uncertain significance for Adenylosuccinate lyase deficiency. Last evaluated: 2022-02-08. Review status: criteria provided, single submitter. Criteria: Invitae Variant Classification Sherloc (09022015). Collection method: clinical testing. Allele origin: germline.
Comment: This variant occurs in a non-coding region of the ADSL gene. It does not change the encoded amino acid sequence of the ADSL protein. In summary, the available evidence is currently insufficient to determine the role of this variant in disease. Therefore, it has been classified as a Variant of Uncertain Significance. Experimental studies and prediction algorithms are not available or were not evaluated, and the functional significance of this variant is currently unknown. This variant has not been reported in the literature in individuals affected with ADSL-related conditions. This variant is not present in population databases (gnomAD no frequency).